The following is an entry in ClinVar:

NM_001376.5(DYNC1H1):c.12053T>C (p.Met4018Thr)

Gene: DYNC1H1 (dynein cytoplasmic 1 heavy chain 1; plus strand). Cytogenetic location: 14q32.31.
Variant type: single nucleotide variant.
Coding change: c.12053T>C on transcript NM_001376.5 (MANE Select); coding-DNA position 12053, T replaced by C.
Protein change: p.Met4018Thr; replaces methionine 4018 with threonine.
Molecular consequence: missense variant.
Genome position (GRCh38, 1-based): chr14:102,041,685, T>C. VCF-style: chr14-102041685-T-C. GRCh37 (hg19) VCF-style: chr14-102508022-T-C.
Other names: c.12053T>C (NM_001376.4); short protein forms M4018T.
Identifiers: ClinVar variation 1038564 (VCV001038564.9), dbSNP rs2048651644, ClinGen allele CA391037902.

ClinVar aggregate classification (germline): Uncertain significance. Review status: criteria provided, multiple submitters, no conflicts (2 of 4 stars). 2 submissions from 2 submitters: Uncertain significance (2). Last evaluated 2025-09-01.

Conditions:
Inborn genetic diseases. Identifiers: MedGen C0950123, MeSH D030342.
Charcot-Marie-Tooth disease axonal type 2O. Also called: CHARCOT-MARIE-TOOTH NEUROPATHY, AXONAL, TYPE 2O; CHARCOT-MARIE-TOOTH DISEASE, AXONAL, AUTOSOMAL DOMINANT, TYPE 2O; Charcot-Marie-Tooth Neuropathy Type 2O; Charcot-Marie-Tooth disease, axonal, type 20. Identifiers: Orphanet 284232, MedGen C3280220, MONDO:0013644, OMIM 614228.

Submissions (2):

Ambry Genetics
Classification: Uncertain significance for Inborn genetic diseases. Last evaluated: 2025-09-01. Review status: criteria provided, single submitter. Criteria: Ambry Variant Classification Scheme 2023. Collection method: clinical testing. Allele origin: germline.

Labcorp Genetics (formerly Invitae), Labcorp
Classification: Uncertain significance for Charcot-Marie-Tooth disease axonal type 2O. Last evaluated: 2020-05-11. Review status: criteria provided, single submitter. Criteria: Invitae Variant Classification Sherloc (09022015). Collection method: clinical testing. Allele origin: germline.
Comment: In summary, the available evidence is currently insufficient to determine the role of this variant in disease. Therefore, it has been classified as a Variant of Uncertain Significance. Algorithms developed to predict the effect of missense changes on protein structure and function output the following: SIFT: "Deleterious"; PolyPhen-2: "Benign"; Align-GVGD: "Class C65". The threonine amino acid residue is found in multiple mammalian species, suggesting that this missense change does not adversely affect protein function. These predictions have not been confirmed by published functional studies and their clinical significance is uncertain. This variant has not been reported in the literature in individuals with DYNC1H1-related conditions. This variant is not present in population databases (ExAC no frequency). This sequence change replaces methionine with threonine at codon 4018 of the DYNC1H1 protein (p.Met4018Thr). The methionine residue is highly conserved and there is a moderate physicochemical difference between methionine and threonine.